The following is an entry in ClinVar:

ClinVar aggregate classification (germline): Uncertain significance (1 of 4 stars; one submission).

Conditions:
Inborn genetic diseases. Identifiers: MedGen C0950123, MeSH D030342.

Allele frequency attached by ClinVar (database versions not stated): ExAC 0.00001.
gnomAD v4.1: 1 of 1,614,106 alleles (0.000062%); highest among the groups gnomAD compares: Admixed American, 0.0017%; no homozygotes.

Submission:

Ambry Genetics
Classification: Uncertain significance for Inborn genetic diseases. Last evaluated: 2019-09-24. Review status: criteria provided, single submitter. Criteria: Ambry Variant Classification Scheme 2023. Collection method: clinical testing. Allele origin: germline.
Comment: The p.A110S variant (also known as c.328G>T), located in coding exon 2 of the MAN1B1 gene, results from a G to T substitution at nucleotide position 328. The amino acid change results in alanine to serine at codon 110, an amino acid with similar properties. However, this change occurs in the last base pair of coding exon 2, which makes it likely to have some effect on normal mRNA splicing. This amino acid position is not well conserved in available vertebrate species, and serine is the reference amino acid in other vertebrate species. Using two different splice site prediction tools, this alteration is predicted by BDGP to abolish the native splice donor site, but is predicted to weaken (but not abolish) the efficiency of the native splice donor site by ESEfinder; however, direct evidence is unavailable. In addition, this alteration is predicted to be tolerated by in silico analysis. Since supporting evidence is limited at this time, the clinical significance of this alteration remains unclear.

NM_016219.5(MAN1B1):c.328G>T (p.Ala110Ser)

Gene: MAN1B1 (mannosidase alpha class 1B member 1; plus strand). Cytogenetic location: 9q34.3.
Variant type: single nucleotide variant.
Coding change: c.328G>T on transcript NM_016219.5 (MANE Select); coding-DNA position 328, G replaced by T.
Protein change: p.Ala110Ser; replaces alanine 110 with serine.
Molecular consequence: missense variant. On other transcripts: non-coding transcript variant (2).
Genome position (GRCh38, 1-based): chr9:137,088,183, G>T. VCF-style: chr9-137088183-G-T. GRCh37 (hg19) VCF-style: chr9-139982635-G-T.
Other names: c.220G>T, p.Ala74Ser (NM_007230.1); short protein forms A74S, A110S.
Identifiers: ClinVar variation 1729837 (VCV001729837.2), dbSNP rs752850520, ClinGen allele CA5358542.